The following is an entry in ClinVar:

ClinVar aggregate classification (germline): Pathogenic/Likely pathogenic. Review status: criteria provided, multiple submitters, no conflicts (2 of 4 stars). 4 submissions from 4 submitters: Pathogenic (2); Likely pathogenic (2). Last evaluated 2024-06-11.

Conditions:
Type 2 diabetes mellitus. Also called: Type II diabetes mellitus. Identifiers: MedGen C0011860, MeSH D003924, MONDO:0005148, OMIM 125853, HP:0005978.
Diabetes mellitus, transient neonatal, 2 (TNDM2). Identifiers: Orphanet 99886, MedGen C1835887, MONDO:0012480, OMIM 610374. Disease mechanism: loss of function.
Diabetes mellitus, permanent neonatal 3. Also called: ABCC8-Related Permanent Neonatal Diabetes Mellitus. Identifiers: MedGen C5394303, MONDO:0030088, OMIM 618857.
Leucine-induced hypoglycemia (LIH). Also called: LEUCINE-SENSITIVE HYPOGLYCEMIA OF INFANCY. Identifiers: MedGen C0271714, MONDO:0009415, OMIM 240800.
Hyperinsulinemic hypoglycemia, familial, 1 (HHF1). Also called: Persistent hyperinsulinemic hypoglycemia of infancy; HYPERINSULINISM, FAMILIAL, WITH PANCREATIC NESIDIOBLASTOSIS; HYPOGLYCEMIA, HYPERINSULINEMIC, OF INFANCY; NESIDIOBLASTOSIS OF PANCREAS; Persistent Hyperinsulinemia Hypoglycemia of Infancy. Identifiers: Orphanet 276575, Orphanet 276598, MedGen C2931832, MONDO:0009734, OMIM 256450.
ABCC8-related disorder.

gnomAD v4.1: 1 of 1,604,122 alleles (0.000062%); highest among the groups gnomAD compares: African/African-American, 0.0013%; no homozygotes.

Submissions (4):

Fulgent Genetics
Classification: Likely pathogenic for Type 2 diabetes mellitus; Leucine-induced hypoglycemia; Hyperinsulinemic hypoglycemia, familial, 1; Diabetes mellitus, transient neonatal, 2; Diabetes mellitus, permanent neonatal 3. Last evaluated: 2024-06-11. Review status: criteria provided, single submitter. Criteria: ACMG Guidelines, 2015. Collection method: clinical testing. Allele origin: germline.

Labcorp Genetics (formerly Invitae), Labcorp
Classification: Pathogenic. Last evaluated: 2023-09-23. Review status: criteria provided, single submitter. Criteria: Invitae Variant Classification Sherloc (09022015). Collection method: clinical testing. Allele origin: germline.
Comment: For these reasons, this variant has been classified as Pathogenic. ClinVar contains an entry for this variant (Variation ID: 1390642). This variant has not been reported in the literature in individuals affected with ABCC8-related conditions. This variant is not present in population databases (gnomAD no frequency). This sequence change creates a premature translational stop signal (p.Tyr15*) in the ABCC8 gene. It is expected to result in an absent or disrupted protein product. Loss-of-function variants in ABCC8 are known to be pathogenic (PMID: 20685672, 23345197).

PreventionGenetics, part of Exact Sciences
Classification: Pathogenic for ABCC8-related condition. Last evaluated: 2022-12-21. Review status: criteria provided, single submitter. Criteria: ACMG Guidelines, 2015. Collection method: clinical testing. Allele origin: germline.
Comment: The ABCC8 c.45C>G variant is predicted to result in premature protein termination (p.Tyr15*). To our knowledge, this variant has not been reported in affected individuals. This variant has not been reported in a large population database, indicating this variant is rare. Nonsense variants in ABCC8 are expected to be pathogenic. This variant is interpreted as pathogenic.

Baylor Genetics
Classification: Likely pathogenic for Type 2 diabetes mellitus. Last evaluated: 2022-05-26. Review status: criteria provided, single submitter. Criteria: ACMG Guidelines, 2015. Collection method: clinical testing. Allele origin: unknown.

Literature cited by the submitters: PubMed 20685672 (cited by Labcorp Genetics (formerly Invitae), Labcorp); PubMed 23345197 (cited by Labcorp Genetics (formerly Invitae), Labcorp).

NM_000352.6(ABCC8):c.45C>G (p.Tyr15Ter)

Gene: ABCC8 (ATP binding cassette subfamily C member 8; minus strand). Cytogenetic location: 11p15.1.
Variant type: single nucleotide variant.
Coding change: c.45C>G on transcript NM_000352.6 (MANE Select); coding-DNA position 45, C replaced by G.
Protein change: p.Tyr15Ter; replaces tyrosine 15 with a stop codon.
Molecular consequence: nonsense. On other transcripts: non-coding transcript variant (1).
Genome position (GRCh38, 1-based): chr11:17,476,732, G>C on the plus strand (C>G on the coding strand, the complement: ABCC8 is on the minus strand). VCF-style: chr11-17476732-G-C. GRCh37 (hg19) VCF-style: chr11-17498279-G-C.
Other names: c.45C>G (NM_000352.4); c.45C>G, p.Tyr15Ter (NM_001287174.3, NM_001351295.2, NM_001351296.2 and 1 more transcripts); short protein forms Y15*.
Identifiers: ClinVar variation 1390642 (VCV001390642.10), dbSNP rs758231286, ClinGen allele CA379790178.